The following is an entry in ClinVar:

ClinVar aggregate classification (germline): Likely benign. Review status: criteria provided, multiple submitters, no conflicts (2 of 4 stars). 2 submissions from 2 submitters: Likely benign (2). Last evaluated 2024-11-04.

Conditions:
Predisposition to invasive fungal disease due to CARD9 deficiency (IMD103). Also called: Candidiasis, familial, 2, autosomal recessive; CARD9 IMMUNODEFICIENCY; IMMUNODEFICIENCY 103, SUSCEPTIBILITY TO FUNGAL INFECTIONS. Identifiers: Orphanet 457088, MedGen C1859353, MONDO:0008905, OMIM 212050.

Allele frequency attached by ClinVar (database versions not stated): gnomAD 0.00001; gnomAD exomes 0.00002; ExAC 0.00005.
gnomAD v4.1: 28 of 1,610,022 alleles (0.0017%); highest among the groups gnomAD compares: Middle Eastern, 0.017%; no homozygotes.

Submissions (2):

Labcorp Genetics (formerly Invitae), Labcorp
Classification: Likely benign for Predisposition to invasive fungal disease due to CARD9 deficiency. Last evaluated: 2024-11-04. Review status: criteria provided, single submitter. Criteria: Invitae Variant Classification Sherloc (09022015). Collection method: clinical testing. Allele origin: germline.

CeGaT Center for Human Genetics Tuebingen
Classification: Likely benign. Last evaluated: 2022-03-01. Review status: criteria provided, single submitter. Criteria: CeGaT Center For Human Genetics Tuebingen Variant Classification Criteria Version 2. Collection method: clinical testing. Allele origin: germline. Affected: yes. Observed: 1 variant allele.
Comment: CARD9: BP4, BP7

NM_052813.5(CARD9):c.894C>G (p.Ala298=)

Gene: CARD9 (caspase recruitment domain family member 9; minus strand). Cytogenetic location: 9q34.3.
Variant type: single nucleotide variant.
Coding change: c.894C>G on transcript NM_052813.5 (MANE Select); coding-DNA position 894, C replaced by G.
Protein change: p.Ala298=; no amino-acid change (alanine 298 retained).
Molecular consequence: synonymous variant.
Genome position (GRCh38, 1-based): chr9:136,370,351, G>C on the plus strand (C>G on the coding strand, the complement: CARD9 is on the minus strand). VCF-style: chr9-136370351-G-C. GRCh37 (hg19) VCF-style: chr9-139264803-G-C.
Other names: c.894C>G, p.Ala298= (NM_052814.4).
Identifiers: ClinVar variation 1596021 (VCV001596021.32), dbSNP rs757648134, ClinGen allele CA5332942.
Genomic context (GRCh38, chr9:136,370,351, plus strand): 5'-TACCCGGAGGCGTCGGGCCTCGCCCTGGCGGAGGTCCTTGCGCAGGGAGAAGATGGTGTT[G>C]GCCTGCTCCTGGTGGTCCCGCAGCGCCTGCCGCCAGTCCTCCTCCAGTACCTGGATGTAG-3'
Protein context (NP_434700.2, residues 288-308): RQALRDHQEQ[Ala298=]NTIFSLRKDL